The following is an entry in ClinVar:

ClinVar aggregate classification (germline): Uncertain significance (1 of 4 stars; one submission).

Conditions:
Oligodontia-cancer predisposition syndrome. Also called: TOOTH AGENESIS-COLORECTAL CANCER SYNDROME. Identifiers: Orphanet 300576, MedGen C1837750, MONDO:0012075, OMIM 608615. Disease mechanism: loss of function.

Submission:

Labcorp Genetics (formerly Invitae), Labcorp
Classification: Uncertain significance for Oligodontia-cancer predisposition syndrome. Last evaluated: 2024-05-22. Review status: criteria provided, single submitter. Criteria: Invitae Variant Classification Sherloc (09022015). Collection method: clinical testing. Allele origin: germline.
Comment: This sequence change falls in intron 9 of the AXIN2 gene. It does not directly change the encoded amino acid sequence of the AXIN2 protein. It affects a nucleotide within the consensus splice site. This variant is not present in population databases (gnomAD no frequency). This variant has not been reported in the literature in individuals affected with AXIN2-related conditions. Variants that disrupt the consensus splice site are a relatively common cause of aberrant splicing (PMID: 17576681, 9536098). RNA analysis performed to evaluate the impact of this variant on mRNA splicing indicates it does not significantly alter splicing (Invitae). In summary, the available evidence is currently insufficient to determine the role of this variant in disease. Therefore, it has been classified as a Variant of Uncertain Significance.

Literature cited by the submitters: PubMed 17576681; PubMed 9536098.

NM_004655.4(AXIN2):c.2238-7_2238-2del

Gene: AXIN2 (axin 2; minus strand). Cytogenetic location: 17q24.1.
Variant type: Deletion.
Coding change: c.2238-7_2238-2del on transcript NM_004655.4 (MANE Select); 7 bases into the intron before coding-DNA position 2238 through the canonical splice acceptor site of the intron before coding-DNA position 2238, 6 bases deleted (TTTTCA; older notation c.2238-7_2238-2delTTTTCA).
Molecular consequence: splice acceptor variant.
Genome position (GRCh38, 1-based): chr17:65,534,081-65,534,086, TGAAAA deleted on the plus strand (TTTTCA on the coding strand, the reverse complement: AXIN2 is on the minus strand); deleting any 6 consecutive bases within chr17:65,534,081-65,534,087 gives the same sequence; the c. name uses the placement nearest the transcript's 3' end. VCF-style (leftmost placement, unchanged base first): chr17-65534080-CTGAAAA-C. GRCh37 (hg19) VCF-style: chr17-63530198-CTGAAAA-C.
Other names: c.2043-7_2043-2del (NM_001363813.1).
Identifiers: ClinVar variation 3654163 (VCV003654163.2).
Genomic context (GRCh38, chr17:65,534,080, plus strand): 5'-ACAACCAACTCACTGGCCTGGAGCGCGTGGACACCTGCCAGTTTCTTTGGCTCTTTGTGA[CTGAAAA>C]TAAGATGGAATGGAACAAGTTTAGCATTTTAAAGCAGACACACATCTAAAGCAAACACAC-3'